The following is an entry in ClinVar:

NM_004771.4(MMP20):c.910G>A (p.Ala304Thr)

Gene: MMP20 (matrix metallopeptidase 20; minus strand). Cytogenetic location: 11q22.2.
Variant type: single nucleotide variant.
Coding change: c.910G>A on transcript NM_004771.4 (MANE Select); coding-DNA position 910, G replaced by A.
Protein change: p.Ala304Thr; replaces alanine 304 with threonine.
Molecular consequence: missense variant.
Genome position (GRCh38, 1-based): chr11:102,606,578, C>T on the plus strand (G>A on the coding strand, the complement: MMP20 is on the minus strand). VCF-style: chr11-102606578-C-T. GRCh37 (hg19) VCF-style: chr11-102477309-C-T.
Other names: short protein forms A304T.
Identifiers: ClinVar variation 301942 (VCV000301942.13), dbSNP rs148818720, ClinGen allele CA6248290.

ClinVar aggregate classification (germline): Conflicting classifications of pathogenicity. Review status: criteria provided, conflicting classifications (1 of 4 stars). 6 submissions from 6 submitters: Likely pathogenic (3); Uncertain significance (3). Last evaluated 2026-07-13.

Conditions:
Amelogenesis imperfecta hypomaturation type 2A2. Also called: AMELOGENESIS IMPERFECTA, PIGMENTED HYPOMATURATION TYPE, 2; Amelogenesis imperfecta, hypomaturation type, IIA2; Amelogenesis imperfecta, type IIA2. Identifiers: Orphanet 88661, MedGen C2675858, MONDO:0012926, OMIM 612529. Disease mechanism: loss of function.
MMP20-related disorder. Also called: MMP20-related condition.

Allele frequency attached by ClinVar (database versions not stated): 1000 Genomes Project 0.00140; ExAC 0.00141; gnomAD 0.00153; 1000 Genomes Project 30x 0.00156; gnomAD exomes 0.00156; TOPMed 0.00187; ESP Exome Variant Server 0.00208.
gnomAD v4.1: 3,772 of 1,613,968 alleles (0.23%); highest among the groups gnomAD compares: Non-Finnish European, 0.28%; 3 homozygotes.

Submissions (6):

PreventionGenetics, part of Exact Sciences
Classification: Uncertain significance for MMP20-related condition. Last evaluated: 2026-07-13. Review status: criteria provided, single submitter. Criteria: ACMG Guidelines, 2015. Collection method: clinical testing. Allele origin: germline.
Comment: The MMP20 c.910G>A variant is predicted to result in the amino acid substitution p.Ala304Thr. This variant has been reported in the homozygous state or with a second MMP20 variant in multiple individuals with autosomal recessive amelogenesis imperfecta (Lee et al. 2009. PubMed ID: 19966041; Wang et al. 2020. PubMed ID: 32495503; Table S3, Bloch-Zupan et al. 2023. PubMed ID: 37228816). This variant has also been reported in multiple affected individuals from two families with autosomal dominant amelogenesis imperfecta; however, the affected individuals also harbored loss-of-function variants in COL17A1 (Hany et al. 2025. PubMed ID: 40741335). An in vitro experimental study suggests this variant reduces protein expression (Lee et al. 2009. PubMed ID: 19966041). This variant is reported in 0.23% of alleles in individuals of European (Non-Finnish) descent in gnomAD, which may be too frequent to be a primary cause of disease. At this time, the clinical significance of this variant is uncertain due to the absence of conclusive functional and genetic evidence.

Dasa
Classification: Likely pathogenic. Last evaluated: 2026-03-05. Review status: criteria provided, single submitter. Criteria: DASA Assertion Criteria. Collection method: clinical testing. Allele origin: germline.
Comment: NM_004771.4(MMP20):c.910G>A (p.Ala304Thr) is a missense variant that results in the substitution of alanine with threonine. Functional evidence supports a deleterious effect on the gene or gene product (PMID: 37228816; PMID: 32495503; PMID: 19966041; PMID: 25545831). This variant has been recurrently observed in individuals with related phenotype (PMID: 37228816; PMID: 32495503; PMID: 19966041; PMID: 25545831). The variant is present at low frequency in population datasets. Based on the available data, this variant is classified as likely pathogenic.

GeneDx
Classification: Uncertain significance. Last evaluated: 2026-01-24. Review status: criteria provided, single submitter. Criteria: GeneDx Variant Classification Process June 2021. Collection method: clinical testing. Allele origin: germline.
Comment: Reported in patients with amelogenesis imperfecta who also harbor an additional missense variant in the MMP20 gene (PMID: 37228816, 28659819); In silico analysis supports that this missense variant has a deleterious effect on protein structure/function; This variant is associated with the following publications: (PMID: 34426522, 19966041, 32495503, 37228816, 28659819, 40741335)

First Genomix Gene Laboratory, Genetic Diagnostics Department
Classification: Likely pathogenic for Amelogenesis imperfecta hypomaturation type 2A2. Last evaluated: 2025-09-02. Review status: criteria provided, single submitter. Criteria: ACMG Guidelines, 2015. Collection method: clinical testing. Allele origin: germline. Inheritance: Autosomal recessive inheritance. Affected: no. Observed: 1 variant allele.

Department of Pathology and Laboratory Medicine, Sinai Health System
Classification: Likely pathogenic for Amelogenesis imperfecta hypomaturation type 2A2. Last evaluated: 2023-03-12. Review status: criteria provided, single submitter. Criteria: ACMG Guidelines, 2015. Collection method: research. Allele origin: germline.

Labcorp Genetics (formerly Invitae), Labcorp
Classification: Uncertain significance. Last evaluated: 2021-09-30. Review status: criteria provided, single submitter. Criteria: Invitae Variant Classification Sherloc (09022015). Collection method: clinical testing. Allele origin: germline.
Comment: This sequence change replaces alanine with threonine at codon 304 of the MMP20 protein (p.Ala304Thr). The alanine residue is highly conserved and there is a small physicochemical difference between alanine and threonine. This variant is present in population databases (rs148818720, ExAC 0.2%). This variant has been observed in individual(s) with melogenesis imperfecta (PMID: 19966041). It has also been observed to segregate with disease in related individuals. ClinVar contains an entry for this variant (Variation ID: 301942). Algorithms developed to predict the effect of missense changes on protein structure and function are either unavailable or do not agree on the potential impact of this missense change (SIFT: "Tolerated"; PolyPhen-2: "Probably Damaging"; Align-GVGD: "Class C0"). Experimental studies have shown that this variant affects MMP20 function (PMID: 19966041). In summary, the available evidence is currently insufficient to determine the role of this variant in disease. Therefore, it has been classified as a Variant of Uncertain Significance.

Literature cited by the submitters: PubMed 37228816 (cited by Dasa); PubMed 32495503 (cited by Dasa); PubMed 19966041 (cited by Dasa and Labcorp Genetics (formerly Invitae), Labcorp); PubMed 25545831 (cited by Dasa).